The following is an entry in ClinVar:

ClinVar aggregate classification (germline): Uncertain significance (1 of 4 stars; one submission).

Conditions:
Kabuki syndrome. Also called: NIIKAWA-KUROKI SYNDROME; Kabuki make-up syndrome. Identifiers: Orphanet 2322, MedGen C0796004, MONDO:0016512.

Submission:

Labcorp Genetics (formerly Invitae), Labcorp
Classification: Uncertain significance for Kabuki syndrome. Last evaluated: 2025-05-11. Review status: criteria provided, single submitter. Criteria: Invitae Variant Classification Sherloc (09022015). Collection method: clinical testing. Allele origin: germline.
Comment: This sequence change replaces proline, which is neutral and non-polar, with arginine, which is basic and polar, at codon 3304 of the KMT2D protein (p.Pro3304Arg). This variant is not present in population databases (gnomAD no frequency). This variant has not been reported in the literature in individuals affected with KMT2D-related conditions. Invitae Evidence Modeling of protein sequence and biophysical properties (such as structural, functional, and spatial information, amino acid conservation, physicochemical variation, residue mobility, and thermodynamic stability) indicates that this missense variant is not expected to disrupt KMT2D protein function with a negative predictive value of 95%. In summary, the available evidence is currently insufficient to determine the role of this variant in disease. Therefore, it has been classified as a Variant of Uncertain Significance.

NM_003482.4(KMT2D):c.9911C>G (p.Pro3304Arg)

Gene: KMT2D (lysine methyltransferase 2D; minus strand). Cytogenetic location: 12q13.12.
Variant type: single nucleotide variant.
Coding change: c.9911C>G on transcript NM_003482.4 (MANE Select); coding-DNA position 9911, C replaced by G.
Protein change: p.Pro3304Arg; replaces proline 3304 with arginine.
Molecular consequence: missense variant.
Genome position (GRCh38, 1-based): chr12:49,037,445, G>C on the plus strand (C>G on the coding strand, the complement: KMT2D is on the minus strand). VCF-style: chr12-49037445-G-C. GRCh37 (hg19) VCF-style: chr12-49431228-G-C.
Other names: short protein forms P3304R.
Identifiers: ClinVar variation 4801217 (VCV004801217.1).